The following is an entry in ClinVar:

ClinVar aggregate classification (germline): Uncertain significance (1 of 4 stars; one submission).

gnomAD v4.1: 5 of 1,614,190 alleles (0.00031%); highest among the groups gnomAD compares: Non-Finnish European, 0.00042%; no homozygotes.

Submission:

Labcorp Genetics (formerly Invitae), Labcorp
Classification: Uncertain significance. Last evaluated: 2024-07-26. Review status: criteria provided, single submitter. Criteria: Invitae Variant Classification Sherloc (09022015). Collection method: clinical testing. Allele origin: germline.
Comment: This sequence change replaces alanine, which is neutral and non-polar, with valine, which is neutral and non-polar, at codon 445 of the TBX15 protein (p.Ala445Val). This variant is not present in population databases (gnomAD no frequency). This variant has not been reported in the literature in individuals affected with TBX15-related conditions. ClinVar contains an entry for this variant (Variation ID: 1932803). An algorithm developed to predict the effect of missense changes on protein structure and function (PolyPhen-2) suggests that this variant is likely to be tolerated. In summary, the available evidence is currently insufficient to determine the role of this variant in disease. Therefore, it has been classified as a Variant of Uncertain Significance.

NM_001330677.2(TBX15):c.1652C>T (p.Ala551Val)

Gene: TBX15 (T-box transcription factor 15; minus strand). Cytogenetic location: 1p12.
Variant type: single nucleotide variant.
Coding change: c.1652C>T on transcript NM_001330677.2 (MANE Select); coding-DNA position 1652, C replaced by T.
Protein change: p.Ala551Val; replaces alanine 551 with valine.
Molecular consequence: missense variant.
Genome position (GRCh38, 1-based): chr1:118,884,889, G>A on the plus strand (C>T on the coding strand, the complement: TBX15 is on the minus strand). VCF-style: chr1-118884889-G-A. GRCh37 (hg19) VCF-style: chr1-119427512-G-A.
Other names: c.1334C>T, p.Ala445Val (NM_152380.3); short protein forms A551V, A445V.
Identifiers: ClinVar variation 1932803 (VCV001932803.5), dbSNP rs2525939036, ClinGen allele CA341432061.